The following is an entry in ClinVar:

NM_001111.5(ADAR):c.2941A>G (p.Met981Val)

Gene: ADAR (adenosine deaminase RNA specific; minus strand). Cytogenetic location: 1q21.3.
Variant type: single nucleotide variant.
Coding change: c.2941A>G on transcript NM_001111.5 (MANE Select); coding-DNA position 2941, A replaced by G.
Protein change: p.Met981Val; replaces methionine 981 with valine.
Molecular consequence: missense variant.
Genome position (GRCh38, 1-based): chr1:154,588,203, T>C on the plus strand (A>G on the coding strand, the complement: ADAR is on the minus strand). VCF-style: chr1-154588203-T-C. GRCh37 (hg19) VCF-style: chr1-154560679-T-C.
Other names: c.2056A>G, p.Met686Val (NM_001025107.3, NM_001193495.2, NM_001365046.1 and 2 more transcripts); c.2968A>G, p.Met990Val (NM_001365045.1); c.1978A>G, p.Met660Val (NM_001365049.1); c.2863A>G, p.Met955Val (NM_015840.4); c.2806A>G, p.Met936Val (NM_015841.4); short protein forms M660V, M981V, M936V, M686V, M990V, M955V.
Identifiers: ClinVar variation 2934032 (VCV002934032.4), dbSNP rs1284803985, ClinGen allele CA342636092.

ClinVar aggregate classification (germline): Conflicting classifications of pathogenicity. Review status: criteria provided, conflicting classifications (1 of 4 stars). 2 submissions from 2 submitters: Uncertain significance (1); Likely benign (1). Last evaluated 2023-11-27.

Conditions:
Symmetrical dyschromatosis of extremities (DSH). Also called: Dyschromatosis symmetrica hereditaria; RETICULATE ACROPIGMENTATION OF DOHI; DYSCHROMATOSIS SYMMETRICA HEREDITARIA 1; SYMMETRIC DYSCHROMATOSIS OF THE EXTREMITIES. Identifiers: Orphanet 41, MedGen C0406775, MONDO:0007483, OMIM 127400.
Aicardi-Goutieres syndrome 6 (AGS6). Identifiers: Orphanet 51, MedGen C3539013, MONDO:0014007, OMIM 615010.

Allele frequency attached by ClinVar (database versions not stated): gnomAD 0.00001; gnomAD exomes 0.00001.
gnomAD v4.1: 4 of 1,613,852 alleles (0.00025%); highest among the groups gnomAD compares: African/African-American, 0.0013%; no homozygotes.

Submissions (2):

Labcorp Genetics (formerly Invitae), Labcorp
Classification: Uncertain significance for Aicardi-Goutieres syndrome 6; Symmetrical dyschromatosis of extremities. Last evaluated: 2023-11-27. Review status: criteria provided, single submitter. Criteria: Invitae Variant Classification Sherloc (09022015). Collection method: clinical testing. Allele origin: germline.
Comment: This sequence change replaces methionine, which is neutral and non-polar, with valine, which is neutral and non-polar, at codon 981 of the ADAR protein (p.Met981Val). This variant is present in population databases (no rsID available, gnomAD 0.0009%). This variant has not been reported in the literature in individuals affected with ADAR-related conditions. Advanced modeling of protein sequence and biophysical properties (such as structural, functional, and spatial information, amino acid conservation, physicochemical variation, residue mobility, and thermodynamic stability) performed at Invitae indicates that this missense variant is not expected to disrupt ADAR protein function with a negative predictive value of 80%. In summary, the available evidence is currently insufficient to determine the role of this variant in disease. Therefore, it has been classified as a Variant of Uncertain Significance.

Blueprint Genetics
Classification: Likely benign. Last evaluated: 2022-04-20. Review status: criteria provided, single submitter. Criteria: ACMG Guidelines, 2015. Collection method: clinical testing. Allele origin: germline.